The following is an entry in ClinVar:

ClinVar aggregate classification (germline): Uncertain significance (1 of 4 stars; one submission).

Conditions:
Trimethylaminuria (TMAU). Also called: FISH-ODOR SYNDROME; Fish malodor syndrome; Stale fish syndrome; TMAuria; Primary Trimethylaminuria. Identifiers: MedGen C0342739, MONDO:0011182, OMIM 602079, HP:0003614. Disease mechanism: loss of function.

Allele frequency attached by ClinVar (database versions not stated): ExAC 0.00001; gnomAD 0.00005 and 0.00006; TOPMed 0.00008; gnomAD exomes 0.00018.
gnomAD v4.1: 264 of 1,613,180 alleles (0.016%); highest among the groups gnomAD compares: Non-Finnish European, 0.021%; no homozygotes.

Submission:

Illumina Laboratory Services, Illumina
Classification: Uncertain significance for Trimethylaminuria. Last evaluated: 2017-08-30. Review status: criteria provided, single submitter. Criteria: ICSL Variant Classification Criteria 13 December 2019. Collection method: clinical testing. Allele origin: germline.
Comment: This variant was observed as part of a predisposition screen in an ostensibly healthy population. A literature search was performed for the gene, cDNA change, and amino acid change (where applicable). Publications were found based on this search. However, the evidence from the literature, in combination with allele frequency data from public databases where available, was not sufficient to rule this variant in or out of causing disease. Therefore, this variant is classified as a variant of unknown significance.

Literature cited by the submitters: PubMed 12527699; PubMed 16296944; PubMed 15203093; PubMed 17096187; PubMed 12938085; PubMed 28196478; PubMed 18028028.

NM_001002294.3(FMO3):c.1507G>A (p.Gly503Arg)

Gene: FMO3 (flavin containing dimethylaniline monoxygenase 3; plus strand). Cytogenetic location: 1q24.3.
Variant type: single nucleotide variant.
Coding change: c.1507G>A on transcript NM_001002294.3 (MANE Select); coding-DNA position 1507, G replaced by A.
Protein change: p.Gly503Arg; replaces glycine 503 with arginine.
Molecular consequence: missense variant.
Genome position (GRCh38, 1-based): chr1:171,117,350, G>A. VCF-style: chr1-171117350-G-A. GRCh37 (hg19) VCF-style: chr1-171086490-G-A.
Other names: c.1447G>A, p.Gly483Arg (NM_001319173.2); c.1318G>A, p.Gly440Arg (NM_001319174.2); c.1507G>A, p.Gly503Arg (NM_006894.6); short protein forms G440R, G503R, G483R.
Identifiers: ClinVar variation 875901 (VCV000875901.4), dbSNP rs72549335, ClinGen allele CA1240857.
Genomic context (GRCh38, chr1:171,117,350, plus strand): 5'-AGAAATGCCATACTGACCCAGTGGGACCGGTCGTTGAAACCCATGCAGACACGAGTGGTC[G>A]GGAGACTTCAGAAGCCTTGCTTCTTTTTCCATTGGCTGAAGCTCTTTGCAATTCCTATTC-3'
Protein context (NP_001002294.1, residues 493-513): SLKPMQTRVV[Gly503Arg]RLQKPCFFFH